The following is an entry in ClinVar:

NM_004947.5(DOCK3):c.3637G>A (p.Glu1213Lys)

Gene: DOCK3 (dedicator of cytokinesis 3; plus strand). Cytogenetic location: 3p21.2.
Variant type: single nucleotide variant.
Coding change: c.3637G>A on transcript NM_004947.5 (MANE Select); coding-DNA position 3637, G replaced by A.
Protein change: p.Glu1213Lys; replaces glutamic acid 1213 with lysine.
Molecular consequence: missense variant.
Genome position (GRCh38, 1-based): chr3:51,338,384, G>A. VCF-style: chr3-51338384-G-A. GRCh37 (hg19) VCF-style: chr3-51375815-G-A.
Other names: short protein forms E1213K.
Identifiers: ClinVar variation 1028828 (VCV001028828.1), dbSNP rs2085005160, ClinGen allele CA352965795.
Genomic context (GRCh38, chr3:51,338,384, plus strand): 5'-TCATATCTGGTGCTCATCTGTGCTCTCTCTTCCAGGGACTGCATGAAAGGAGAGGAAACA[G>A]AGAATAAGAAGATAGGCTGCACTGTTAACCTGATGGTGAGAGGACATGGGCCCTGACTTC-3'
Protein context (NP_004938.1, residues 1203-1223): YRDCMKGEET[Glu1213Lys]NKKIGCTVNL

ClinVar aggregate classification (germline): Uncertain significance (1 of 4 stars; one submission).

Conditions:
Neurodevelopmental disorder with impaired intellectual development, hypotonia, and ataxia. Identifiers: MedGen C4749014, MONDO:0032661, OMIM 618292.

Submission:

Baylor Genetics
Classification: Uncertain significance for Neurodevelopmental disorder with impaired intellectual development, hypotonia, and ataxia. Last evaluated: 2019-07-16. Review status: criteria provided, single submitter. Criteria: ACMG Guidelines, 2015. Collection method: clinical testing. Allele origin: unknown. Affected: yes.
Comment: This variant was determined to be of uncertain significance according to ACMG Guidelines, 2015 [PMID:25741868].